The following is an entry in ClinVar:

NM_181507.2(HPS5):c.1751G>A (p.Ser584Asn)

Gene: HPS5 (HPS5 biogenesis of lysosomal organelles complex 2 subunit 2; minus strand). Cytogenetic location: 11p15.1.
Variant type: single nucleotide variant.
Coding change: c.1751G>A on transcript NM_181507.2 (MANE Select); coding-DNA position 1751, G replaced by A.
Protein change: p.Ser584Asn; replaces serine 584 with asparagine.
Molecular consequence: missense variant.
Genome position (GRCh38, 1-based): chr11:18,295,053, C>T on the plus strand (G>A on the coding strand, the complement: HPS5 is on the minus strand). VCF-style: chr11-18295053-C-T. GRCh37 (hg19) VCF-style: chr11-18316600-C-T.
Other names: c.1409G>A, p.Ser470Asn (NM_007216.4, NM_181508.2); short protein forms S470N, S584N.
Identifiers: ClinVar variation 1420074 (VCV001420074.8), dbSNP rs1860891110, ClinGen allele CA379493141.

ClinVar aggregate classification (germline): Uncertain significance (1 of 4 stars; one submission).

Allele frequency attached by ClinVar (database versions not stated): TOPMed 0.00001.

Submission:

Labcorp Genetics (formerly Invitae), Labcorp
Classification: Uncertain significance. Last evaluated: 2022-01-11. Review status: criteria provided, single submitter. Criteria: Invitae Variant Classification Sherloc (09022015). Collection method: clinical testing. Allele origin: germline.
Comment: In summary, the available evidence is currently insufficient to determine the role of this variant in disease. Therefore, it has been classified as a Variant of Uncertain Significance. Algorithms developed to predict the effect of missense changes on protein structure and function output the following: SIFT: "Tolerated"; PolyPhen-2: "Benign"; Align-GVGD: "Class C0". The asparagine amino acid residue is found in multiple mammalian species, which suggests that this missense change does not adversely affect protein function. This variant has not been reported in the literature in individuals affected with HPS5-related conditions. This variant is not present in population databases (gnomAD no frequency). This sequence change replaces serine, which is neutral and polar, with asparagine, which is neutral and polar, at codon 584 of the HPS5 protein (p.Ser584Asn).